The following is an entry in ClinVar:

ClinVar aggregate classification (germline): Pathogenic/Likely pathogenic. Review status: criteria provided, multiple submitters, no conflicts (2 of 4 stars). 2 submissions from 2 submitters: Pathogenic (1); Likely pathogenic (1). Last evaluated 2024-09-25.

Conditions:
Corneal dystrophy-perceptive deafness syndrome (CDPD). Also called: CORNEAL DYSTROPHY AND SENSORINEURAL DEAFNESS; HARBOYAN SYNDROME. Identifiers: Orphanet 1490, MedGen C1857572, MONDO:0009015, OMIM 217400.
SLC4A11-related disorder. Also called: SLC4A11-related condition.

Submissions (2):

3billion
Classification: Pathogenic for SLC4A11-related disorder. Last evaluated: 2024-09-25. Review status: criteria provided, single submitter. Criteria: ACMG Guidelines, 2015. Collection method: clinical testing. Allele origin: germline. Affected: yes.
Comment: The variant is observed at an extremely low frequency in the gnomAD v4.0.0 dataset (total allele frequency: <0.001%). Predicted Consequence/Location: Frameshift: predicted to result in a loss or disruption of normal protein function through nonsense-mediated decay (NMD) or protein truncation. Multiple pathogenic variants are reported downstream of the variant. Therefore, this variant is classified as Pathogenic according to the recommendation of ACMG/AMP guideline.

Natera, Inc.
Classification: Likely pathogenic for Corneal dystrophy-perceptive deafness syndrome. Last evaluated: 2024-04-10. Review status: criteria provided, single submitter. Criteria: Natera Variant Classification Schema (03/2026). Collection method: clinical testing. Allele origin: germline.
Comment: The c.965_966delCA variant in SLC4A11 is a frameshift variant predicted to shift the reading frame beginning at codon 322 and leads to a stop codon 41 codons downstream. This variant is expected to result in nonsense mediated decay, truncation, or a dysfunctional protein product. This variant is rare in the general population with a frequency below the threshold expected for the associated phenotype(s). Given the available evidence, this variant is classified as Likely Pathogenic.

NM_001174089.2(SLC4A11):c.917_918del (p.Thr306fs)

Gene: SLC4A11 (solute carrier family 4 member 11; minus strand). Cytogenetic location: 20p13.
Variant type: Microsatellite.
Coding change: c.917_918del on transcript NM_001174089.2 (MANE Select); coding-DNA positions 917 to 918, 2 bases deleted (CA; older notation c.917_918delCA).
Protein change: p.Thr306fs; shifts the reading frame from threonine 306.
Molecular consequence: frameshift variant. On other transcripts: non-coding transcript variant (3).
Genome position (GRCh38, 1-based): chr20:3,231,360-3,231,361, TG deleted on the plus strand (CA on the coding strand, the reverse complement: SLC4A11 is on the minus strand); deleting any 2 consecutive bases within chr20:3,231,360-3,231,363 gives the same sequence; the c. name uses the placement nearest the transcript's 3' end. VCF-style (leftmost placement, unchanged base first): chr20-3231359-CTG-C. GRCh37 (hg19) VCF-style: chr20-3212005-CTG-C.
Other names: c.1046_1047del, p.Thr349fs (NM_001174090.2, NM_001400280.1); c.917_918del, p.Thr306fs (NM_001363745.2); c.860_861del, p.Thr287fs (NM_001400277.1, NM_001400278.1, NM_001400279.1); c.965_966del, p.Thr322fs (NM_032034.4); c.965_966delCA (NM_032034.3); short protein forms T287fs, T306fs, T322fs, T349fs.
Identifiers: ClinVar variation 4292355 (VCV004292355.2).